The following is an entry in ClinVar:

ClinVar aggregate classification (germline): Conflicting classifications of pathogenicity. Review status: criteria provided, conflicting classifications (1 of 4 stars). 2 submissions from 2 submitters: Uncertain significance (1); Likely benign (1). Last evaluated 2025-08-22.

Conditions:
Fibrous dysplasia of jaw (CRBM). Also called: Cherubism. Identifiers: Orphanet 184, MedGen C0008029, MONDO:0007315, OMIM 118400.

Allele frequency attached by ClinVar (database versions not stated): gnomAD 0.00002; gnomAD exomes 0.00002 and 0.00004; ExAC 0.00005.

Submissions (2):

Labcorp Genetics (formerly Invitae), Labcorp
Classification: Uncertain significance for Fibrous dysplasia of jaw. Last evaluated: 2025-08-22. Review status: criteria provided, single submitter. Criteria: Invitae Variant Classification Sherloc (09022015). Collection method: clinical testing. Allele origin: germline.
Comment: This sequence change replaces arginine, which is basic and polar, with glutamine, which is neutral and polar, at codon 263 of the SH3BP2 protein (p.Arg263Gln). This variant is present in population databases (rs748657780, gnomAD 0.02%). This variant has not been reported in the literature in individuals affected with SH3BP2-related conditions. ClinVar contains an entry for this variant (Variation ID: 1365301). Invitae Evidence Modeling of protein sequence and biophysical properties (such as structural, functional, and spatial information, amino acid conservation, physicochemical variation, residue mobility, and thermodynamic stability) has been performed for this missense variant. However, the output from this modeling did not meet the statistical confidence thresholds required to predict the impact of this variant on SH3BP2 protein function. In summary, the available evidence is currently insufficient to determine the role of this variant in disease. Therefore, it has been classified as a Variant of Uncertain Significance.

Blueprint Genetics
Classification: Likely benign. Last evaluated: 2023-10-11. Review status: criteria provided, single submitter. Criteria: ACMG Guidelines, 2015. Collection method: clinical testing. Allele origin: germline.

NM_001122681.2(SH3BP2):c.788G>A (p.Arg263Gln)

Gene: SH3BP2 (SH3 domain binding protein 2; plus strand). Cytogenetic location: 4p16.3.
Variant type: single nucleotide variant.
Coding change: c.788G>A on transcript NM_001122681.2 (MANE Select); coding-DNA position 788, G replaced by A.
Protein change: p.Arg263Gln; replaces arginine 263 with glutamine.
Molecular consequence: missense variant.
Genome position (GRCh38, 1-based): chr4:2,829,694, G>A. VCF-style: chr4-2829694-G-A. GRCh37 (hg19) VCF-style: chr4-2831421-G-A.
Other names: c.872G>A, p.Arg291Gln (NM_001145855.2); c.959G>A, p.Arg320Gln (NM_001145856.2); c.788G>A, p.Arg263Gln (NM_003023.4); short protein forms R263Q, R291Q, R320Q.
Identifiers: ClinVar variation 1365301 (VCV001365301.9), dbSNP rs748657780, ClinGen allele CA2819318.
Genomic context (GRCh38, chr4:2,829,694, plus strand): 5'-GCCTCCCAGATGTTGGCCTGGCTGCTGAGGACTCCAAGAGGGACCCACTGTGCCCGAGGC[G>A]GGCTGAGCCTTGCCCCAGGGTACCTGCTACCCCCCGAAGGATGAGCGATCCCCCTCTGAG-3'
Protein context (NP_001116153.1, residues 253-273): DSKRDPLCPR[Arg263Gln]AEPCPRVPAT